The following is an entry in ClinVar:

ClinVar aggregate classification (germline): Uncertain significance (1 of 4 stars; one submission).

Submission:

GeneDx
Classification: Uncertain significance. Last evaluated: 2023-06-13. Review status: criteria provided, single submitter. Criteria: GeneDx Variant Classification Process June 2021. Collection method: clinical testing. Allele origin: germline. Affected: yes.
Comment: In silico analysis supports that this missense variant has a deleterious effect on protein structure/function; Not observed at significant frequency in large population cohorts (gnomAD); This variant is associated with the following publications: (PMID: 34426522, 23154162, 28484426, 16320156)

NM_000369.5(TSHR):c.1778C>T (p.Ala593Val)

Genes: TSHR (thyroid stimulating hormone receptor; plus strand), TSHR-AS1 (TSHR antisense RNA 1; minus strand). Cytogenetic location: 14q31.1.
Variant type: single nucleotide variant.
Coding change: c.1778C>T on transcript NM_000369.5 (MANE Select); coding-DNA position 1778, C replaced by T.
Protein change: p.Ala593Val; replaces alanine 593 with valine.
Molecular consequence: missense variant.
Genome position (GRCh38, 1-based): chr14:81,143,836, C>T. VCF-style: chr14-81143836-C-T. GRCh37 (hg19) VCF-style: chr14-81610180-C-T.
Other names: short protein forms A593V.
Identifiers: ClinVar variation 3340412 (VCV003340412.1).